The following is an entry in ClinVar:

ClinVar aggregate classification (germline): Uncertain significance (1 of 4 stars; one submission).

Submission:

Labcorp Genetics (formerly Invitae), Labcorp
Classification: Uncertain significance. Last evaluated: 2023-07-07. Review status: criteria provided, single submitter. Criteria: Invitae Variant Classification Sherloc (09022015). Collection method: clinical testing. Allele origin: germline.
Comment: ClinVar contains an entry for this variant (Variation ID: 2008757). This variant has not been reported in the literature in individuals affected with SLC51B-related conditions. This variant is not present in population databases (gnomAD no frequency). This sequence change falls in intron 3 of the SLC51B gene. It does not directly change the encoded amino acid sequence of the SLC51B protein. It affects a nucleotide within the consensus splice site. In summary, the available evidence is currently insufficient to determine the role of this variant in disease. Therefore, it has been classified as a Variant of Uncertain Significance. Variants that disrupt the consensus splice site are a relatively common cause of aberrant splicing (PMID: 17576681, 9536098). Algorithms developed to predict the effect of sequence changes on RNA splicing suggest that this variant may disrupt the consensus splice site.

Literature cited by the submitters: PubMed 17576681; PubMed 9536098.

NM_178859.4(SLC51B):c.189-3C>G

Genes: RASL12 (RAS like family 12; minus strand), SLC51B (SLC51 subunit beta; plus strand). Cytogenetic location: 15q22.31.
Variant type: single nucleotide variant.
Coding change: c.189-3C>G on transcript NM_178859.4 (MANE Select); 3 bases into the intron before coding-DNA position 189, C replaced by G.
Molecular consequence: intron variant.
Genome position (GRCh38, 1-based): chr15:65,052,963, C>G. VCF-style: chr15-65052963-C-G. GRCh37 (hg19) VCF-style: chr15-65345301-C-G.
Identifiers: ClinVar variation 2008757 (VCV002008757.4), dbSNP rs776952059, ClinGen allele CA2580089859.